The following is an entry in ClinVar:

NM_000051.4(ATM):c.3485del (p.Leu1162fs)

Gene: ATM (ATM serine/threonine kinase; plus strand). Cytogenetic location: 11q22.3.
Variant type: Deletion.
Coding change: c.3485del on transcript NM_000051.4 (MANE Select); coding-DNA position 3485, one base deleted (T; older notation c.3485delT).
Protein change: p.Leu1162fs; shifts the reading frame from leucine 1162.
Molecular consequence: frameshift variant.
Genome position (GRCh38, 1-based): chr11:108,281,077, T deleted; the last of 4 consecutive T bases (chr11:108,281,074-108,281,077); deleting any one gives the same sequence. VCF-style (leftmost placement, unchanged base first): chr11-108281073-GT-G. GRCh37 (hg19) VCF-style: chr11-108151800-GT-G.
Other names: c.3485delT (NM_000051.3); c.3485del, p.Leu1162fs (NM_001351834.2); short protein forms L1162fs.
Identifiers: ClinVar variation 963395 (VCV000963395.10), dbSNP rs2082207948, ClinGen allele CA1139662225.
Genomic context (GRCh38, chr11:108,281,073, plus strand): 5'-CCTGAAACTTTGGATGAAATTTATAATAGAAAATCTGTTTTACTGACGTTGATAGCTGTG[GT>G]TTTATCCTGTAGCCCTATCTGCGAAAAACAGGCTTTGTTTGCCCTGTGTAAATCTGTGAA-3'

ClinVar aggregate classification (germline): Pathogenic/Likely pathogenic. Review status: criteria provided, multiple submitters, no conflicts (2 of 4 stars). 3 submissions from 3 submitters: Pathogenic (2); Likely pathogenic (1). Last evaluated 2024-05-06.

Conditions:
Hereditary cancer-predisposing syndrome. Also called: Hereditary neoplastic syndrome; Tumor predisposition; Neoplastic Syndromes, Hereditary; Hereditary Cancer Syndrome. Identifiers: Orphanet 140162, MedGen C0027672, MeSH D009386, MONDO:0015356.
Familial cancer of breast. Also called: Hereditary breast cancer; BREAST CANCER, FAMILIAL; hereditary breast carcinoma. Identifiers: Orphanet 227535, MedGen C0346153, MONDO:0016419, OMIM 114480. Disease mechanism: loss of function.
Ataxia-telangiectasia syndrome (AT). Also called: AT, COMPLEMENTATION GROUP C; Ataxia telangiectasia (A-T); Cerebello-oculocutaneous telangiectasia; Immunodeficiency with ataxia telangiectasia; LOUIS-BAR SYNDROME; Ataxia-telangiectasia. Identifiers: Orphanet 100, MedGen C0004135, MONDO:0008840, OMIM 208900.

Submissions (3):

Labcorp Genetics (formerly Invitae), Labcorp
Classification: Pathogenic for Ataxia-telangiectasia syndrome. Last evaluated: 2024-05-06. Review status: criteria provided, single submitter. Criteria: Invitae Variant Classification Sherloc (09022015). Collection method: clinical testing. Allele origin: germline.
Comment: This sequence change creates a premature translational stop signal (p.Leu1162Tyrfs*19) in the ATM gene. It is expected to result in an absent or disrupted protein product. Loss-of-function variants in ATM are known to be pathogenic (PMID: 23807571, 25614872). This variant is not present in population databases (gnomAD no frequency). This variant has not been reported in the literature in individuals affected with ATM-related conditions. ClinVar contains an entry for this variant (Variation ID: 963395). Algorithms developed to predict the effect of sequence changes on RNA splicing suggest that this variant may disrupt the consensus splice site. For these reasons, this variant has been classified as Pathogenic.

Myriad Genetics, Inc.
Classification: Pathogenic for Familial cancer of breast. Last evaluated: 2024-01-22. Review status: criteria provided, single submitter. Criteria: Myriad Autosomal Dominant, Autosomal Recessive and X-Linked Classification Criteria (2023). Collection method: clinical testing. Allele origin: unknown.
Comment: This variant is considered pathogenic. This variant creates a frameshift predicted to result in premature protein truncation.

Sema4
Classification: Likely pathogenic for Hereditary cancer-predisposing syndrome. Last evaluated: 2021-01-15. Review status: criteria provided, single submitter. Criteria: Sema4 Curation Guidelines. Collection method: curation. Allele origin: germline.
Comment: To the best of our knowledge, the ATM c.3485delT (p.L1162YfsX19) variant has not been reported in individuals with ATM-related disease. This variant causes a frameshift at amino acid 1162 that results in premature termination 19 amino acids downstream. This variant is predicted to cause a nonsense-mediated decay and result in an absent protein (loss of function). Loss of function variants in ATM are known to be pathogenic (PMID: 26681312, 25614872). This variant is not reported in the population database Genome Aggregation Database (PMID: 32461654). Based on the current evidence available, this variant is interpreted as likely pathogenic.

Literature cited by the submitters: PubMed 23807571 (cited by Labcorp Genetics (formerly Invitae), Labcorp); PubMed 25614872 (cited by Labcorp Genetics (formerly Invitae), Labcorp and Sema4); PubMed 26681312 (cited by Sema4).